The following is an entry in ClinVar:

NM_000234.3(LIG1):c.1821+14A>T

Gene: LIG1 (DNA ligase 1; minus strand). Cytogenetic location: 19q13.33.
Variant type: single nucleotide variant.
Coding change: c.1821+14A>T on transcript NM_000234.3 (MANE Select); 14 bases into the intron after coding-DNA position 1821, A replaced by T.
Molecular consequence: intron variant.
Genome position (GRCh38, 1-based): chr19:48,131,062, T>A on the plus strand (A>T on the coding strand, the complement: LIG1 is on the minus strand). VCF-style: chr19-48131062-T-A. GRCh37 (hg19) VCF-style: chr19-48634319-T-A.
Other names: c.1728+14A>T (NM_001289063.2); c.1731+14A>T (NM_001320971.2); c.1617+14A>T (NM_001289064.2); c.1818+14A>T (NM_001320970.2).
Identifiers: ClinVar variation 403035 (VCV000403035.18), dbSNP rs392891, ClinGen allele CA9546693.
Genomic context (GRCh38, chr19:48,131,062, plus strand): 5'-CCTAGATGGGCCTCAGGCCTTTGCACCCCTGACCACAGACCCTGGCAGAGTGCAAGTGTG[T>A]GGCAGACGCCCACCTTGGGGATGCGGCTGATGATGTCCGGGTACTTCCCAGTGTTGTCTT-3'

ClinVar aggregate classification (germline): Benign. Review status: criteria provided, multiple submitters, no conflicts (2 of 4 stars). 5 submissions from 5 submitters: Benign (5). Last evaluated 2026-02-04.

Allele frequency attached by ClinVar (database versions not stated): gnomAD exomes 0.44114 and 0.46595; ESP Exome Variant Server 0.46463; ExAC 0.46842; gnomAD 0.47637 and 0.47742; TOPMed 0.47729; 1000 Genomes Project 30x 0.54122; 1000 Genomes Project 0.54912.
gnomAD v4.1: 715,894 of 1,607,394 alleles (45%); highest among the groups gnomAD compares: East Asian, 77%; 163,625 homozygotes.

Submissions (5):

Labcorp Genetics (formerly Invitae), Labcorp
Classification: Benign. Last evaluated: 2026-02-04. Review status: criteria provided, single submitter. Criteria: Invitae Variant Classification Sherloc (09022015). Collection method: clinical testing. Allele origin: germline.

Unidad de Genómica Garrahan, Hospital de Pediatría Garrahan
Classification: Benign. Last evaluated: 2023-11-12. Review status: criteria provided, single submitter. Criteria: ACMG Guidelines, 2015. Collection method: clinical testing. Allele origin: germline. Affected: no. Observed: 58 variant alleles.
Comment: This variant is classified as Benign based on local population frequency. This variant was detected in 60% of patients studied by a panel of primary immunodeficiencies. Number of patients: 58. Only high quality variants are reported.

GeneDx
Classification: Benign. Last evaluated: 2022-04-14. Review status: criteria provided, single submitter. Criteria: GeneDx Variant Classification Process June 2021. Collection method: clinical testing. Allele origin: germline. Affected: yes.

Laboratory for Molecular Medicine, Mass General Brigham Personalized Medicine
Classification: Benign. Last evaluated: 2016-03-28. Review status: criteria provided, single submitter. Criteria: LMM Criteria. Collection method: clinical testing. Allele origin: germline.
Comment: Variant identified in a genome or exome case(s) and assessed due to predicted null impact of the variant or pathogenic assertions in the literature or databases. Disclaimer: This variant has not undergone full assessment. The following are preliminary notes: Frequency

Breakthrough Genomics
Classification: Benign. Review status: criteria provided, single submitter. Criteria: ACMG Guidelines, 2015. Collection method: not provided. Allele origin: germline. Inheritance: Autosomal recessive inheritance. Affected: yes.